The following is an entry in ClinVar:

NM_213606.4(SLC16A12):c.122C>A (p.Ser41Tyr)

Genes: SLC16A12 (solute carrier family 16 member 12; minus strand), SLC16A12-AS1 (SLC16A12 antisense RNA 1; plus strand). Cytogenetic location: 10q23.31.
Variant type: single nucleotide variant.
Coding change: c.122C>A on transcript NM_213606.4 (MANE Select); coding-DNA position 122, C replaced by A.
Protein change: p.Ser41Tyr; replaces serine 41 with tyrosine.
Molecular consequence: missense variant.
Genome position (GRCh38, 1-based): chr10:89,462,457, G>T on the plus strand (C>A on the coding strand, the complement: SLC16A12 is on the minus strand). VCF-style: chr10-89462457-G-T. GRCh37 (hg19) VCF-style: chr10-91222214-G-T.
Other names: short protein forms S41Y.
Identifiers: ClinVar variation 1304679 (VCV001304679.6), dbSNP rs1235291781, ClinGen allele CA377528920.

ClinVar aggregate classification (germline): Uncertain significance. Review status: criteria provided, multiple submitters, no conflicts (2 of 4 stars). 3 submissions from 3 submitters: Uncertain significance (3). Last evaluated 2024-09-05.

Conditions:
Juvenile cataract-microcornea-renal glucosuria syndrome. Also called: CATARACT 47; Cataract 47, juvenile, with microcornea; CATARACT, JUVENILE, WITH MICROCORNEA. Identifiers: Orphanet 247794, MedGen C4310806, MONDO:0012786, OMIM 612018.

Allele frequency attached by ClinVar (database versions not stated): TOPMed below 0.00001; gnomAD 0.00001; gnomAD exomes 0.00001.
gnomAD v4.1: 12 of 1,613,934 alleles (0.00074%); highest among the groups gnomAD compares: Non-Finnish European, 0.001%; no homozygotes.

Submissions (3):

Labcorp Genetics (formerly Invitae), Labcorp
Classification: Uncertain significance. Last evaluated: 2024-09-05. Review status: criteria provided, single submitter. Criteria: Invitae Variant Classification Sherloc (09022015). Collection method: clinical testing. Allele origin: germline.
Comment: This sequence change replaces serine, which is neutral and polar, with tyrosine, which is neutral and polar, at codon 41 of the SLC16A12 protein (p.Ser41Tyr). This variant is present in population databases (no rsID available, gnomAD 0.002%). This variant has not been reported in the literature in individuals affected with SLC16A12-related conditions. ClinVar contains an entry for this variant (Variation ID: 1304679). An algorithm developed to predict the effect of missense changes on protein structure and function (PolyPhen-2) suggests that this variant is likely to be tolerated. In summary, the available evidence is currently insufficient to determine the role of this variant in disease. Therefore, it has been classified as a Variant of Uncertain Significance.

Fulgent Genetics
Classification: Uncertain significance for Juvenile cataract-microcornea-renal glucosuria syndrome. Last evaluated: 2024-01-14. Review status: criteria provided, single submitter. Criteria: ACMG Guidelines, 2015. Collection method: clinical testing. Allele origin: germline.

GeneDx
Classification: Uncertain significance. Last evaluated: 2020-02-19. Review status: criteria provided, single submitter. Criteria: GeneDx Variant Classification Process June 2021. Collection method: clinical testing. Allele origin: germline. Affected: yes.
Comment: In silico analysis supports that this missense variant does not alter protein structure/function; Has not been previously published as pathogenic or benign to our knowledge